The following is an entry in ClinVar:

ClinVar aggregate classification (germline): Uncertain significance (1 of 4 stars; one submission).

Submission:

Labcorp Genetics (formerly Invitae), Labcorp
Classification: Uncertain significance. Last evaluated: 2022-05-19. Review status: criteria provided, single submitter. Criteria: Invitae Variant Classification Sherloc (09022015). Collection method: clinical testing. Allele origin: germline.
Comment: Algorithms developed to predict the effect of missense changes on protein structure and function (SIFT, PolyPhen-2, Align-GVGD) all suggest that this variant is likely to be tolerated. This sequence change replaces serine, which is neutral and polar, with tyrosine, which is neutral and polar, at codon 190 of the RAB11B protein (p.Ser190Tyr). This variant is not present in population databases (gnomAD no frequency). This variant has not been reported in the literature in individuals affected with RAB11B-related conditions. In summary, the available evidence is currently insufficient to determine the role of this variant in disease. Therefore, it has been classified as a Variant of Uncertain Significance.

NM_004218.4(RAB11B):c.569C>A (p.Ser190Tyr)

Gene: RAB11B (RAB11B, member RAS oncogene family; plus strand). Cytogenetic location: 19p13.2.
Variant type: single nucleotide variant.
Coding change: c.569C>A on transcript NM_004218.4 (MANE Select); coding-DNA position 569, C replaced by A.
Protein change: p.Ser190Tyr; replaces serine 190 with tyrosine.
Molecular consequence: missense variant.
Genome position (GRCh38, 1-based): chr19:8,403,470, C>A. VCF-style: chr19-8403470-C-A. GRCh37 (hg19) VCF-style: chr19-8468354-C-A.
Other names: short protein forms S190Y.
Identifiers: ClinVar variation 1996454 (VCV001996454.4), dbSNP rs760756275, ClinGen allele CA403716669.